The following is an entry in ClinVar:

ClinVar aggregate classification (germline): Conflicting classifications of pathogenicity. Review status: criteria provided, conflicting classifications (1 of 4 stars). 4 submissions from 4 submitters: Uncertain significance (1); Benign (1); Likely benign (2). Last evaluated 2025-11-17.

Conditions:
Tuberous sclerosis 2 (TSC2). Identifiers: Orphanet 805, MedGen C1860707, MONDO:0013199, OMIM 613254.
Hereditary cancer-predisposing syndrome. Also called: Hereditary neoplastic syndrome; Neoplastic Syndromes, Hereditary; Tumor predisposition; Hereditary Cancer Syndrome. Identifiers: Orphanet 140162, MedGen C0027672, MeSH D009386, MONDO:0015356.
Tuberous sclerosis syndrome (TSC). Also called: Tuberous Sclerosis Complex; Tuberous sclerosis. Identifiers: Orphanet 805, MedGen C0041341, MONDO:0001734.

Allele frequency attached by ClinVar (database versions not stated): gnomAD exomes 0.00001; ExAC 0.00002.
gnomAD v4.1: 3 of 1,609,106 alleles (0.00019%); highest among the groups gnomAD compares: South Asian, 0.0033%; no homozygotes.

Submissions (4):

Labcorp Genetics (formerly Invitae), Labcorp
Classification: Likely benign for Tuberous sclerosis 2. Last evaluated: 2025-11-17. Review status: criteria provided, single submitter. Criteria: Invitae Variant Classification Sherloc (09022015). Collection method: clinical testing. Allele origin: germline.

Color Diagnostics, LLC DBA Color Health
Classification: Uncertain significance for Tuberous sclerosis syndrome. Last evaluated: 2025-06-23. Review status: criteria provided, single submitter. Criteria: ACMG Guidelines, 2015. Collection method: clinical testing. Allele origin: germline.
Comment: This variant is located in the TSC2 protein. To our knowledge, functional studies have not been reported for this variant. This variant has not been reported in individuals affected with TSC2-related disorders in the literature. This variant has been identified in 2/240548 chromosomes in the general population by the Genome Aggregation Database (gnomAD). The available evidence is insufficient to determine the role of this variant in disease conclusively. Therefore, this variant is classified as a Variant of Uncertain Significance.

Myriad Genetics, Inc.
Classification: Benign for Tuberous sclerosis 2. Last evaluated: 2025-06-03. Review status: criteria provided, single submitter. Criteria: Myriad Autosomal Dominant, Autosomal Recessive and X-Linked Classification Criteria (2023). Collection method: clinical testing. Allele origin: unknown.
Comment: This variant is considered benign. This variant is a silent/synonymous amino acid change and it is not expected to impact splicing.

Ambry Genetics
Classification: Likely benign for Hereditary cancer-predisposing syndrome. Last evaluated: 2021-11-06. Review status: criteria provided, single submitter. Criteria: Ambry Variant Classification Scheme 2023. Collection method: clinical testing. Allele origin: germline.

NM_000548.5(TSC2):c.4332C>G (p.Pro1444=)

Gene: TSC2 (TSC complex subunit 2; plus strand). Cytogenetic location: 16p13.3.
Variant type: single nucleotide variant.
Coding change: c.4332C>G on transcript NM_000548.5 (MANE Select); coding-DNA position 4332, C replaced by G.
Protein change: p.Pro1444=; no amino-acid change (proline 1444 retained).
Molecular consequence: synonymous variant.
Genome position (GRCh38, 1-based): chr16:2,084,554, C>G. VCF-style: chr16-2084554-C-G. GRCh37 (hg19) VCF-style: chr16-2134555-C-G.
Other names: c.4131C>G, p.Pro1377= (NM_001077183.3); c.4263C>G, p.Pro1421= (NM_001114382.3); c.4023C>G, p.Pro1341= (NM_001318827.2); c.3987C>G, p.Pro1329= (NM_001318829.2); c.3600C>G, p.Pro1200= (NM_001318831.2); c.4164C>G, p.Pro1388= (NM_001318832.2); c.4134C>G, p.Pro1378= (NM_001363528.2); c.4200C>G, p.Pro1400= (NM_001370404.1); and 1 more.
Identifiers: ClinVar variation 468081 (VCV000468081.15), dbSNP rs373973956, ClinGen allele CA050874.